The following is an entry in ClinVar:

NM_002677.5(PMP2):c.348G>A (p.Ala116=)

Gene: PMP2 (peripheral myelin protein 2; minus strand). Cytogenetic location: 8q21.13.
Variant type: single nucleotide variant.
Coding change: c.348G>A on transcript NM_002677.5 (MANE Select); coding-DNA position 348, G replaced by A.
Protein change: p.Ala116=; no amino-acid change (alanine 116 retained).
Molecular consequence: synonymous variant. On other transcripts: missense variant (1).
Genome position (GRCh38, 1-based): chr8:81,444,500, C>T on the plus strand (G>A on the coding strand, the complement: PMP2 is on the minus strand). VCF-style: chr8-81444500-C-T. GRCh37 (hg19) VCF-style: chr8-82356735-C-T.
Other names: p.Ala116=; c.175G>A, p.Gly59Arg (NM_001348381.2); short protein forms G59R.
Identifiers: ClinVar variation 1439853 (VCV001439853.7), dbSNP rs748491182, ClinGen allele CA4791915.

ClinVar aggregate classification (germline): Uncertain significance. Review status: criteria provided, multiple submitters, no conflicts (2 of 4 stars). 2 submissions from 2 submitters: Uncertain significance (2). Last evaluated 2025-08-11.

Allele frequency attached by ClinVar (database versions not stated): gnomAD 0.00006; TOPMed 0.00014.
gnomAD v4.1: 134 of 1,585,368 alleles (0.0085%); highest among the groups gnomAD compares: Non-Finnish European, 0.01%; no homozygotes.

Submissions (2):

Labcorp Genetics (formerly Invitae), Labcorp
Classification: Uncertain significance. Last evaluated: 2025-08-11. Review status: criteria provided, single submitter. Criteria: Invitae Variant Classification Sherloc (09022015). Collection method: clinical testing. Allele origin: germline.
Comment: This sequence change affects codon 116 of the PMP2 mRNA. It is a 'silent' change, meaning that it does not change the encoded amino acid sequence of the PMP2 protein. This variant also falls at the last nucleotide of exon 3, which is part of the consensus splice site for this exon. This variant is present in population databases (rs748491182, gnomAD 0.01%). This variant has not been reported in the literature in individuals affected with PMP2-related conditions. ClinVar contains an entry for this variant (Variation ID: 1439853). Variants that disrupt the consensus splice site are a relatively common cause of aberrant splicing (PMID: 17576681, 9536098). Algorithms developed to predict the effect of sequence changes on RNA splicing suggest that this variant may disrupt the consensus splice site. In summary, the available evidence is currently insufficient to determine the role of this variant in disease. Therefore, it has been classified as a Variant of Uncertain Significance.

Mayo Clinic Laboratories, Mayo Clinic
Classification: Uncertain significance. Last evaluated: 2023-02-02. Review status: criteria provided, single submitter. Criteria: ACMG Guidelines, 2015. Collection method: clinical testing. Allele origin: germline. Observed: 1 variant allele.

Literature cited by the submitters: PubMed 17576681 (cited by Labcorp Genetics (formerly Invitae), Labcorp); PubMed 9536098 (cited by Labcorp Genetics (formerly Invitae), Labcorp).